The following is an entry in ClinVar:

NM_005982.4(SIX1):c.194A>T (p.Glu65Val)

Gene: SIX1 (SIX homeobox 1; minus strand). Cytogenetic location: 14q23.1.
Variant type: single nucleotide variant.
Coding change: c.194A>T on transcript NM_005982.4 (MANE Select); coding-DNA position 194, A replaced by T.
Protein change: p.Glu65Val; replaces glutamic acid 65 with valine.
Molecular consequence: missense variant.
Genome position (GRCh38, 1-based): chr14:60,648,996, T>A on the plus strand (A>T on the coding strand, the complement: SIX1 is on the minus strand). VCF-style: chr14-60648996-T-A. GRCh37 (hg19) VCF-style: chr14-61115714-T-A.
Other names: c.194A>T, p.Glu65Val (NM_001425142.1); short protein forms E65V.
Identifiers: ClinVar variation 4293457 (VCV004293457.1).

ClinVar aggregate classification (germline): Uncertain significance (1 of 4 stars; one submission).

Conditions:
Branchiootic syndrome 3 (BOS3). Also called: BO SYNDROME 3. Identifiers: MedGen C1842124, MONDO:0012025, OMIM 608389.

Submission:

3billion
Classification: Uncertain significance for Branchiootic syndrome 3. Last evaluated: 2025-02-03. Review status: criteria provided, single submitter. Criteria: ACMG Guidelines, 2015. Collection method: clinical testing. Allele origin: germline. Affected: yes.
Comment: The variant is not observed in the gnomAD v4.1.0 dataset. Predicted Consequence/Location: Missense variant. Missense changes are a common disease-causing mechanism. In silico tool predictions suggest damaging effect of the variant on gene or gene product [REVEL: 0.93 (>=0.6, sensitivity 0.68 and specificity 0.92)]. Therefore, this variant is classified as VUS according to the recommendation of ACMG/AMP guideline.